The following is an entry in ClinVar:

ClinVar aggregate classification (germline): Likely benign. Review status: criteria provided, multiple submitters, no conflicts (2 of 4 stars). 3 submissions from 3 submitters: Likely benign (2). 1 of the submissions does not count toward it. Last evaluated 2025-12-30.

Conditions:
VPS13B-related disorder. Also called: VPS13B-related condition.
Cohen syndrome (COH1). Also called: Cutis verticis gyrata, retinitis pigmentosa, and sensorineural deafness; PEPPER SYNDROME. Identifiers: Orphanet 193, MedGen C0265223, MONDO:0008999, OMIM 216550.

Allele frequency attached by ClinVar (database versions not stated): ExAC 0.00001; gnomAD exomes 0.00002; gnomAD 0.00005; TOPMed 0.00005.
gnomAD v4.1: 35 of 1,613,480 alleles (0.0022%); highest among the groups gnomAD compares: Admixed American, 0.012%; no homozygotes.

Submissions (3):

Labcorp Genetics (formerly Invitae), Labcorp
Classification: Likely benign for Cohen syndrome. Last evaluated: 2025-12-30. Review status: criteria provided, single submitter. Criteria: Invitae Variant Classification Sherloc (09022015). Collection method: clinical testing. Allele origin: germline.

Athena Diagnostics
Classification: Likely benign. Last evaluated: 2020-10-05. Review status: criteria provided, single submitter. Criteria: Athena Diagnostics criteria. Collection method: clinical testing. Allele origin: unknown.

PreventionGenetics, part of Exact Sciences
Classification: Likely benign for VPS13B-related condition. Last evaluated: 2021-08-18. Review status: no assertion criteria provided. Collection method: clinical testing. Allele origin: germline. Not counted in ClinVar's aggregate classification.
Comment: This variant is classified as likely benign based on ACMG/AMP sequence variant interpretation guidelines (Richards et al. 2015 PMID: 25741868, with internal and published modifications).

NM_152564.5(VPS13B):c.3873A>G (p.Gly1291=)

Gene: VPS13B (vacuolar protein sorting 13 homolog B; plus strand). Cytogenetic location: 8q22.2.
Variant type: single nucleotide variant.
Coding change: c.3873A>G on transcript NM_152564.5 (MANE Select); coding-DNA position 3873, A replaced by G.
Protein change: p.Gly1291=; no amino-acid change (glycine 1291 retained).
Molecular consequence: synonymous variant.
Genome position (GRCh38, 1-based): chr8:99,501,689, A>G. VCF-style: chr8-99501689-A-G. GRCh37 (hg19) VCF-style: chr8-100513917-A-G.
Other names: c.3873A>G, p.Gly1291= (NM_017890.5); c.3873A>G (NM_152564.4).
Identifiers: ClinVar variation 778361 (VCV000778361.13), dbSNP rs772263007, ClinGen allele CA4823368.